The following is an entry in ClinVar:

ClinVar aggregate classification (germline): Uncertain significance (1 of 4 stars; one submission).

Conditions:
POLD1-related polyposis and colorectal cancer syndrome (CRCS10). Also called: Colorectal cancer 10; COLORECTAL CANCER, SUSCEPTIBILITY TO, ON CHROMOSOME 19q; Colorectal cancer, susceptibility to, 10. Identifiers: Orphanet 220460, MedGen C2675481, MONDO:0012953, OMIM 612591.

Submission:

Labcorp Genetics (formerly Invitae), Labcorp
Classification: Uncertain significance for POLD1-related polyposis and colorectal cancer syndrome. Last evaluated: 2020-07-09. Review status: criteria provided, single submitter. Criteria: Invitae Variant Classification Sherloc (09022015). Collection method: clinical testing. Allele origin: germline.
Comment: Missense variants that disrupt the 3'-5' exonuclease (proof-reading) activity of the POLD1 protein are associated with an increased risk for colonic adenomatous polyps and colon cancer (PMID: 23263490, 23447401). However, loss-of-function variants, which result in an absent or severely disrupted POLD1 protein, and missense variants outside the exonuclease domain, are unlikely to be associated with polyposis or colon cancer. Without further clinical and genetic evidence, this variant has been classified as a Variant of Uncertain Significance. Algorithms developed to predict the effect of sequence changes on RNA splicing suggest that this variant may disrupt the consensus splice site, but this prediction has not been confirmed by published transcriptional studies. This variant has not been reported in the literature in individuals with POLD1-related conditions. This variant is not present in population databases (ExAC no frequency). This variant results in the deletion of part of exon 23 (c.2942_2953+2del) of the POLD1 gene. It is expected to disrupt RNA splicing and likely results in an absent or disrupted protein product.

Literature cited by the submitters: PubMed 23263490; PubMed 23447401.

NM_002691.4(POLD1):c.2942_2953+2del

Gene: POLD1 (DNA polymerase delta 1, catalytic subunit; plus strand). Cytogenetic location: 19q13.33.
Variant type: Deletion.
Coding change: c.2942_2953+2del on transcript NM_002691.4 (MANE Select); coding-DNA position 2942 through the canonical splice donor site of the intron after coding-DNA position 2953, 14 bases deleted (CTGTGCTACTGCGT).
Molecular consequence: splice donor variant.
Genome position (GRCh38, 1-based): chr19:50,416,517-50,416,530, CTGTGCTACTGCGT deleted. VCF-style (leftmost placement, unchanged base first): chr19-50416516-GCTGTGCTACTGCGT-G. GRCh37 (hg19) VCF-style: chr19-50919773-GCTGTGCTACTGCGT-G.
Other names: c.2942_2953+2del (NM_001256849.1); c.3020_3031+2del (NM_001308632.1).
Identifiers: ClinVar variation 1022699 (VCV001022699.6), dbSNP rs2039298922, ClinGen allele CA2340890534.